The following is an entry in ClinVar:

NM_130837.3(OPA1):c.1149+1G>T

Gene: OPA1 (OPA1 mitochondrial dynamin like GTPase; plus strand). Cytogenetic location: 3q29.
Variant type: single nucleotide variant.
Coding change: c.1149+1G>T on transcript NM_130837.3 (MANE Select); the canonical splice donor site of the intron after coding-DNA position 1149, G replaced by T.
Molecular consequence: splice donor variant.
Genome position (GRCh38, 1-based): chr3:193,638,066, G>T. VCF-style: chr3-193638066-G-T. GRCh37 (hg19) VCF-style: chr3-193355855-G-T.
Other names: c.612+1G>T (NM_001354664.2); c.615+1G>T (NM_001354663.2); c.1038+1G>T (NM_130834.3); c.1095+1G>T (NM_130836.3); c.984+1G>T (NM_015560.3); c.1041+1G>T (NM_130835.3); c.930+1G>T (NM_130832.3); c.987+1G>T (NM_130833.3); and 2 more.
Identifiers: ClinVar variation 3251969 (VCV003251969.6), dbSNP rs2474818291.
Genomic context (GRCh38, chr3:193,638,066, plus strand): 5'-GCCCAAGCTCGAATATTCCCAAGAGGATCTGGGGAGATGATGACACGTTCTCCAGTTAAG[G>T]TAAGAACATAGGCCGTCTCAGTGAGGTTCCTTAGGAGAGTAACTGCTTCAGTGAGACCTG-3'

ClinVar aggregate classification (germline): Pathogenic/Likely pathogenic. Review status: criteria provided, multiple submitters, no conflicts (2 of 4 stars). 4 submissions from 4 submitters: Pathogenic (1); Likely pathogenic (3). Last evaluated 2026-08-01.

Conditions:
Optic atrophy with or without deafness, ophthalmoplegia, myopathy, ataxia, and neuropathy. Also called: OPTIC ATROPHY PLUS SYNDROME. Identifiers: MedGen C3276549, MONDO:0007429, OMIM 125250.
Autosomal dominant optic atrophy classic form (OPA1). Also called: KJER-TYPE OPTIC ATROPHY; OPTIC ATROPHY, JUVENILE; Optic Atrophy Type 1. Identifiers: Orphanet 98673, MedGen C0338508, MONDO:0008134, OMIM 165500.
OPA1-related disorder. Also called: OPA1-related condition; OPA1-related disorders.

Submissions (4):

PreventionGenetics, part of Exact Sciences
Classification: Pathogenic for OPA1-related condition. Last evaluated: 2026-08-01. Review status: criteria provided, single submitter. Criteria: ACMG Guidelines, 2015. Collection method: clinical testing. Allele origin: germline.
Comment: The OPA1 c.1149+1G>T variant is predicted to disrupt the GT donor site and interfere with normal splicing. This variant can also be denoted as c.984+1G>T using transcript NM_015560. This variant has been reported in individuals with autosomal dominant optic atrophy (Almind et al. 2012. PubMed ID: 22857269; Table S2, Suga et al. 2022. PubMed ID: 36284460). This variant is absent in a large population database (gnomAD), indicating this variant is rare. Variants that disrupt the consensus splice donor site in OPA1 are an established mechanism of disease. Given the evidence, we interpret this variant as pathogenic for autosomal dominant disease.

Institute of Medical Genetics and Applied Genomics, University Hospital Tübingen
Classification: Likely pathogenic for Autosomal dominant optic atrophy classic form. Last evaluated: 2025-07-31. Review status: criteria provided, single submitter. Criteria: ACMG Guidelines, 2015. Collection method: clinical testing. Allele origin: germline. Inheritance: Autosomal dominant inheritance. Affected: yes.

Institute of Human Genetics, University of Leipzig Medical Center
Classification: Likely pathogenic for Autosomal dominant optic atrophy classic form. Last evaluated: 2025-03-31. Review status: criteria provided, single submitter. Criteria: ACMG Guidelines, 2015. Collection method: clinical testing. Allele origin: paternal. Inheritance: Autosomal dominant inheritance. Affected: yes.
Comment: Criteria applied: PVS1_STR,PM2,PS4_SUP

Diagnostics Services (NGS), CSIR - Centre For Cellular And Molecular Biology
Classification: Likely pathogenic for Optic atrophy with or without deafness, ophthalmoplegia, myopathy, ataxia, and neuropathy; Autosomal dominant optic atrophy classic form. Last evaluated: 2024-05-31. Review status: criteria provided, single submitter. Criteria: ACMG Guidelines, 2015. Collection method: clinical testing. Allele origin: unknown. Affected: yes. Observed: 1 variant allele, 1 heterozygote.
Comment: The c.1149+1G>T variant is not present in publicly available population databases like 1000 Genomes, EVS, ExAC, gnomAD, Indian Exome Database or our in-house exome database. This variant has neither been published in literature with OPA1-related conditions nor reported to the clinical databases like Human Genome Mutation Database (HGMD), ClinVar or OMIM, in any affected individuals. Algorithms developed to predict the effect of sequence changes on RNA splicing suggest that this variant can disrupt the consensus splice site. In-silico pathogenicity prediction programs like MutationTaster2, CADD, Varsome, Franklin etc predicted this variant to be likely deleterious, however these predictions were not confirmed by published functional/translational studies.